The following is an entry in ClinVar:

NM_003467.3(CXCR4):c.943C>G (p.His315Asp)

Gene: CXCR4 (C-X-C motif chemokine receptor 4; minus strand). Cytogenetic location: 2q22.1.
Variant type: single nucleotide variant.
Coding change: c.943C>G on transcript NM_003467.3 (MANE Select); coding-DNA position 943, C replaced by G.
Protein change: p.His315Asp; replaces histidine 315 with aspartic acid.
Molecular consequence: missense variant.
Genome position (GRCh38, 1-based): chr2:136,114,985, G>C on the plus strand (C>G on the coding strand, the complement: CXCR4 is on the minus strand). VCF-style: chr2-136114985-G-C. GRCh37 (hg19) VCF-style: chr2-136872555-G-C.
Other names: c.898C>G, p.His300Asp (NM_001348060.2); c.955C>G, p.His319Asp (NM_001008540.2); c.1156C>G, p.His386Asp (NM_001348056.2); c.1042C>G, p.His348Asp (NM_001348059.2); short protein forms H386D, H300D, H348D, H315D, H319D.
Identifiers: ClinVar variation 4780652 (VCV004780652.1).

ClinVar aggregate classification (germline): Uncertain significance (1 of 4 stars; one submission).

Conditions:
Warts, hypogammaglobulinemia, infections, and myelokathexis. Also called: WHIM syndrome. Identifiers: MedGen C0472817, MONDO:0023880.

Submission:

Labcorp Genetics (formerly Invitae), Labcorp
Classification: Uncertain significance for Warts, hypogammaglobulinemia, infections, and myelokathexis. Last evaluated: 2025-07-22. Review status: criteria provided, single submitter. Criteria: Invitae Variant Classification Sherloc (09022015). Collection method: clinical testing. Allele origin: germline.
Comment: This sequence change replaces histidine, which is basic and polar, with aspartic acid, which is acidic and polar, at codon 315 of the CXCR4 protein (p.His315Asp). This variant is not present in population databases (gnomAD no frequency). This variant has not been reported in the literature in individuals affected with CXCR4-related conditions. An algorithm developed to predict the effect of missense changes on protein structure and function (PolyPhen-2) suggests that this variant is likely to be tolerated. In summary, the available evidence is currently insufficient to determine the role of this variant in disease. Therefore, it has been classified as a Variant of Uncertain Significance.